The following is an entry in ClinVar:

NM_005045.4(RELN):c.5499C>G (p.Ile1833Met)

Gene: RELN (reelin; minus strand). Cytogenetic location: 7q22.1.
Variant type: single nucleotide variant.
Coding change: c.5499C>G on transcript NM_005045.4 (MANE Select); coding-DNA position 5499, C replaced by G.
Protein change: p.Ile1833Met; replaces isoleucine 1833 with methionine.
Molecular consequence: missense variant.
Genome position (GRCh38, 1-based): chr7:103,561,562, G>C on the plus strand (C>G on the coding strand, the complement: RELN is on the minus strand). VCF-style: chr7-103561562-G-C. GRCh37 (hg19) VCF-style: chr7-103202009-G-C.
Other names: c.5499C>G, p.Ile1833Met (NM_173054.3); short protein forms I1833M.
Identifiers: ClinVar variation 1714321 (VCV001714321.5), dbSNP rs1425838077, ClinGen allele CA368743473.

ClinVar aggregate classification (germline): Uncertain significance (1 of 4 stars; one submission).

Conditions:
Familial temporal lobe epilepsy 7. Identifiers: Orphanet 101046, MedGen C4225327, MONDO:0014639, OMIM 616436.
Norman-Roberts syndrome (LIS2). Also called: Lissencephaly 2 (Norman-Roberts type). Identifiers: Orphanet 89844, MedGen C0796089, MONDO:0009760, OMIM 257320.

Submission:

Labcorp Genetics (formerly Invitae), Labcorp
Classification: Uncertain significance for Familial temporal lobe epilepsy 7; Norman-Roberts syndrome. Last evaluated: 2022-07-30. Review status: criteria provided, single submitter. Criteria: Invitae Variant Classification Sherloc (09022015). Collection method: clinical testing. Allele origin: germline.
Comment: This sequence change replaces isoleucine, which is neutral and non-polar, with methionine, which is neutral and non-polar, at codon 1833 of the RELN protein (p.Ile1833Met). This variant is not present in population databases (gnomAD no frequency). This variant has not been reported in the literature in individuals affected with RELN-related conditions. Algorithms developed to predict the effect of missense changes on protein structure and function are either unavailable or do not agree on the potential impact of this missense change (SIFT: "Deleterious"; PolyPhen-2: "Possibly Damaging"; Align-GVGD: "Class C0"). In summary, the available evidence is currently insufficient to determine the role of this variant in disease. Therefore, it has been classified as a Variant of Uncertain Significance.